The following is an entry in ClinVar:

ClinVar aggregate classification (germline): Uncertain significance (1 of 4 stars; one submission).

Submission:

Ambry Genetics
Classification: Uncertain significance. Last evaluated: 2025-05-19. Review status: criteria provided, single submitter. Criteria: Ambry Variant Classification Scheme 2023. Collection method: clinical testing. Allele origin: germline.
Comment: The p.R1849G variant (also known as c.5545C>G), located in coding exon 22 of the WNK2 gene, results from a C to G substitution at nucleotide position 5545. The arginine at codon 1849 is replaced by glycine, an amino acid with dissimilar properties. This amino acid position is conserved. In addition, this alteration is predicted to be tolerated by in silico analysis. Based on the available evidence, the clinical significance of this variant remains unclear.

NM_006648.4(WNK2):c.5545C>G (p.Arg1849Gly)

Gene: WNK2 (WNK lysine deficient protein kinase 2; plus strand). Cytogenetic location: 9q22.31.
Variant type: single nucleotide variant.
Coding change: c.5545C>G on transcript NM_006648.4 (MANE Select); coding-DNA position 5545, C replaced by G.
Protein change: p.Arg1849Gly; replaces arginine 1849 with glycine.
Molecular consequence: missense variant.
Genome position (GRCh38, 1-based): chr9:93,293,010, C>G. VCF-style: chr9-93293010-C-G. GRCh37 (hg19) VCF-style: chr9-96055292-C-G.
Other names: c.5656C>G, p.Arg1886Gly (NM_001282394.3); short protein forms R1886G, R1849G.
Identifiers: ClinVar variation 3982085 (VCV003982085.1).